The following is an entry in ClinVar:

ClinVar aggregate classification (germline): Uncertain significance. Review status: criteria provided, multiple submitters, no conflicts (2 of 4 stars). 2 submissions from 2 submitters: Uncertain significance (2). Last evaluated 2023-10-03.

Submissions (2):

Labcorp Genetics (formerly Invitae), Labcorp
Classification: Uncertain significance. Last evaluated: 2023-10-03. Review status: criteria provided, single submitter. Criteria: Invitae Variant Classification Sherloc (09022015). Collection method: clinical testing. Allele origin: germline.
Comment: This sequence change creates a premature translational stop signal (p.Lys1921Asnfs*24) in the GPR179 gene. While this is not anticipated to result in nonsense mediated decay, it is expected to disrupt the last 447 amino acid(s) of the GPR179 protein. This variant is present in population databases (rs781039522, gnomAD 0.02%). This variant has not been reported in the literature in individuals affected with GPR179-related conditions. ClinVar contains an entry for this variant (Variation ID: 1506051). In summary, the available evidence is currently insufficient to determine the role of this variant in disease. Therefore, it has been classified as a Variant of Uncertain Significance.

Blueprint Genetics
Classification: Uncertain significance. Last evaluated: 2023-07-03. Review status: criteria provided, single submitter. Criteria: ACMG Guidelines, 2015. Collection method: clinical testing. Allele origin: germline.

NM_001004334.4(GPR179):c.5763_5764del (p.Lys1921fs)

Gene: GPR179 (G protein-coupled receptor 179; minus strand). Cytogenetic location: 17q12.
Variant type: Deletion.
Coding change: c.5763_5764del on transcript NM_001004334.4 (MANE Select); coding-DNA positions 5763 to 5764, 2 bases deleted (GA; older notation c.5763_5764delGA).
Protein change: p.Lys1921fs; shifts the reading frame from lysine 1921.
Molecular consequence: frameshift variant.
Genome position (GRCh38, 1-based): chr17:38,327,805-38,327,806, TC deleted on the plus strand (GA on the coding strand, the reverse complement: GPR179 is on the minus strand); deleting any 2 consecutive bases within chr17:38,327,805-38,327,807 gives the same sequence; the c. name uses the placement nearest the transcript's 3' end. VCF-style (leftmost placement, unchanged base first): chr17-38327804-GTC-G. GRCh37 (hg19) VCF-style: chr17-36483687-GTC-G.
Other names: short protein forms K1921fs.
Identifiers: ClinVar variation 1506051 (VCV001506051.6), dbSNP rs781039522, ClinGen allele CA290103351.